The following is an entry in ClinVar:

NM_003620.4(PPM1D):c.127C>G (p.Arg43Gly)

Gene: PPM1D (protein phosphatase, Mg2+/Mn2+ dependent 1D; plus strand). Cytogenetic location: 17q23.2.
Variant type: single nucleotide variant.
Coding change: c.127C>G on transcript NM_003620.4 (MANE Select); coding-DNA position 127, C replaced by G.
Protein change: p.Arg43Gly; replaces arginine 43 with glycine.
Molecular consequence: missense variant.
Genome position (GRCh38, 1-based): chr17:60,600,541, C>G. VCF-style: chr17-60600541-C-G. GRCh37 (hg19) VCF-style: chr17-58677902-C-G.
Other names: short protein forms R43G.
Identifiers: ClinVar variation 3615142 (VCV003615142.2).

ClinVar aggregate classification (germline): Uncertain significance (1 of 4 stars; one submission).

Submission:

Labcorp Genetics (formerly Invitae), Labcorp
Classification: Uncertain significance. Last evaluated: 2024-02-06. Review status: criteria provided, single submitter. Criteria: Invitae Variant Classification Sherloc (09022015). Collection method: clinical testing. Allele origin: germline.
Comment: This sequence change replaces arginine, which is basic and polar, with glycine, which is neutral and non-polar, at codon 43 of the PPM1D protein (p.Arg43Gly). This variant is not present in population databases (gnomAD no frequency). This variant has not been reported in the literature in individuals affected with PPM1D-related conditions. An algorithm developed to predict the effect of missense changes on protein structure and function (PolyPhen-2) suggests that this variant is likely to be tolerated. In summary, the available evidence is currently insufficient to determine the role of this variant in disease. Therefore, it has been classified as a Variant of Uncertain Significance.